The following is an entry in ClinVar:

NM_001148.6(ANK2):c.4541T>G (p.Leu1514Trp)

Gene: ANK2 (ankyrin 2; plus strand). Cytogenetic location: 4q26.
Variant type: single nucleotide variant.
Coding change: c.4541T>G on transcript NM_001148.6 (MANE Select); coding-DNA position 4541, T replaced by G.
Protein change: p.Leu1514Trp; replaces leucine 1514 with tryptophan.
Molecular consequence: missense variant. On other transcripts: intron variant (68).
Genome position (GRCh38, 1-based): chr4:113,353,159, T>G. VCF-style: chr4-113353159-T-G. GRCh37 (hg19) VCF-style: chr4-114274315-T-G.
Other names: c.4307T>G, p.Leu1436Trp (NM_001386142.1); c.941T>G, p.Leu314Trp (NM_001386166.1); c.4682T>G, p.Leu1561Trp (NM_001386174.1); c.4658T>G, p.Leu1553Trp (NM_001386175.1); c.4411+2910T>G (NM_001386186.2, NM_001386148.2); c.4213+2910T>G (NM_001354269.3); c.4291+2910T>G (NM_001386187.2); c.4252+2910T>G (NM_001386147.1); and 35 more; short protein forms L1514W, L1553W, L1436W, L1561W, L314W.
Identifiers: ClinVar variation 1396671 (VCV001396671.6), dbSNP rs1197349405, ClinGen allele CA357914877.

ClinVar aggregate classification (germline): Uncertain significance (1 of 4 stars; one submission).

Conditions:
Long QT syndrome (LQTS). Identifiers: MedGen C0023976, MeSH D008133, MONDO:0002442. Disease mechanism: loss of function. Inheritance: Various modes of inheritance.

Submission:

Labcorp Genetics (formerly Invitae), Labcorp
Classification: Uncertain significance for Long QT syndrome. Last evaluated: 2021-12-09. Review status: criteria provided, single submitter. Criteria: Invitae Variant Classification Sherloc (09022015). Collection method: clinical testing. Allele origin: germline.
Comment: This sequence change replaces leucine, which is neutral and non-polar, with tryptophan, which is neutral and slightly polar, at codon 1514 of the ANK2 protein (p.Leu1514Trp). This variant is not present in population databases (gnomAD no frequency). Algorithms developed to predict the effect of missense changes on protein structure and function are either unavailable or do not agree on the potential impact of this missense change (SIFT: "Deleterious"; PolyPhen-2: "Probably Damaging"; Align-GVGD: "Class C0"). This variant has not been reported in the literature in individuals affected with ANK2-related conditions. In summary, the available evidence is currently insufficient to determine the role of this variant in disease. Therefore, it has been classified as a Variant of Uncertain Significance.